The following is an entry in ClinVar:

NR_199791.1(RNU2-2):n.7_8insA

Genes: RNU2-2 (RNA, U2 small nuclear 2; minus strand), WDR74 (WD repeat domain 74; minus strand). Cytogenetic location: 11q12.3.
Variant type: Insertion.
Molecular consequence: non-coding transcript variant (on NR_199791.1). On other transcripts: 5 prime UTR variant (1).
Genome position: GRCh38 VCF-style: chr11-62841802-G-GT. GRCh37 (hg19) VCF-style: chr11-62609274-G-GT.
Other names: c.-532_-531insA (NM_001369451.1).
Identifiers: ClinVar variation 4540500 (VCV004540500.5).

ClinVar aggregate classification (germline): Likely pathogenic. Review status: criteria provided, multiple submitters, no conflicts (2 of 4 stars). 2 submissions from 2 submitters: Likely pathogenic (2). Last evaluated 2026-01-01.

Conditions:
RNU2-2 related disorder.

Submissions (2):

CeGaT Center for Human Genetics Tuebingen
Classification: Likely pathogenic. Last evaluated: 2026-01-01. Review status: criteria provided, single submitter. Criteria: CeGaT Center For Human Genetics Tuebingen Variant Classification Criteria Version 2. Collection method: clinical testing. Allele origin: germline. Affected: yes. Observed: 1 variant allele.
Comment: RNU2-2: PS4, PM2, PS2:Moderate

Institute for Human Genetics, University Hospital Essen
Classification: Likely pathogenic for RNU2-2 related disorder. Last evaluated: 2025-11-27. Review status: criteria provided, single submitter. Criteria: Submitter's publication. Collection method: clinical testing. Allele origin: de novo. Inheritance: Autosomal unknown. Affected: yes. Observed: 2 variant alleles, 1 heterozygote, 1 compound heterozygote.
Comment: PS2_mod, PS4_supp, PM1, PM2_supp (criteria rationale detailed in Leitão et al. Nature Genetics 2026)